The following is an entry in ClinVar:

NM_014141.6(CNTNAP2):c.2705C>T (p.Pro902Leu)

Gene: CNTNAP2 (contactin associated protein 2; plus strand). Cytogenetic location: 7q35.
Variant type: single nucleotide variant.
Coding change: c.2705C>T on transcript NM_014141.6 (MANE Select); coding-DNA position 2705, C replaced by T.
Protein change: p.Pro902Leu; replaces proline 902 with leucine.
Molecular consequence: missense variant.
Genome position (GRCh38, 1-based): chr7:148,147,641, C>T. VCF-style: chr7-148147641-C-T. GRCh37 (hg19) VCF-style: chr7-147844733-C-T.
Other names: p.P902L:CCG>CTG; short protein forms P902L.
Identifiers: ClinVar variation 205273 (VCV000205273.16), dbSNP rs202095023, ClinGen allele CA314180.

ClinVar aggregate classification (germline): Conflicting classifications of pathogenicity. Review status: criteria provided, conflicting classifications (1 of 4 stars). 4 submissions from 4 submitters: Uncertain significance (2); Likely benign (2). Last evaluated 2026-01-26.

Conditions:
Inborn genetic diseases. Identifiers: MedGen C0950123, MeSH D030342.
Cortical dysplasia-focal epilepsy syndrome (PTHSL1). Also called: Pitt-Hopkins-like syndrome 1. Identifiers: Orphanet 163681, Orphanet 221150, MedGen C2750246, MONDO:0012400, OMIM 610042.

Allele frequency attached by ClinVar (database versions not stated): ExAC 0.00041; gnomAD 0.00047 and 0.00050; TOPMed 0.00008; gnomAD exomes 0.00031 and 0.00048.
gnomAD v4.1: 505 of 1,613,924 alleles (0.031%); highest among the groups gnomAD compares: Non-Finnish European, 0.018%; 1 homozygote.

Submissions (4):

Labcorp Genetics (formerly Invitae), Labcorp
Classification: Likely benign for Cortical dysplasia-focal epilepsy syndrome. Last evaluated: 2026-01-26. Review status: criteria provided, single submitter. Criteria: Invitae Variant Classification Sherloc (09022015). Collection method: clinical testing. Allele origin: germline.

Blueprint Genetics
Classification: Likely benign. Last evaluated: 2024-07-02. Review status: criteria provided, single submitter. Criteria: ACMG Guidelines, 2015. Collection method: clinical testing. Allele origin: germline.

GeneDx
Classification: Uncertain significance. Last evaluated: 2018-03-06. Review status: criteria provided, single submitter. Criteria: GeneDx Variant Classification (06012015). Collection method: clinical testing. Allele origin: germline. Affected: yes.
Comment: A variant of uncertain significance has been identified in the CNTNAP2 gene. The P902L variant has not been published as a pathogenic variant, nor has it been reported as a benign variant to our knowledge. The P902L variant is observed in 113/25782 (0.4%) alleles from individuals of Finnish background, including 1 homozygous individual, in large population cohorts (Lek et al., 2016). The P902L variant is a semi-conservative amino acid substitution, which may impact secondary protein structure as these residues differ in some properties. In-silico analyses, including protein predictors and evolutionary conservation, support a deleterious effect. Therefore, based on the currently available information, it is unclear whether this variant is a pathogenic variant or a rare benign variant.

Ambry Genetics
Classification: Uncertain significance for Inborn genetic diseases. Last evaluated: 2017-10-30. Review status: criteria provided, single submitter. Criteria: Ambry Variant Classification Scheme 2023. Collection method: clinical testing. Allele origin: germline.
Comment: The p.P902L variant (also known as c.2705C>T), located in coding exon 17 of the CNTNAP2 gene, results from a C to T substitution at nucleotide position 2705. The proline at codon 902 is replaced by leucine, an amino acid with similar properties. This amino acid position is not conserved on species alignment. In addition, this alteration is predicted to be tolerated by in silico analysis. Since supporting evidence is limited at this time, the clinical significance of this alteration remains unclear.